The following is an entry in ClinVar:

NM_005529.7(HSPG2):c.10131T>A (p.Phe3377Leu)

Gene: HSPG2 (heparan sulfate proteoglycan 2; minus strand). Cytogenetic location: 1p36.12.
Variant type: single nucleotide variant.
Coding change: c.10131T>A on transcript NM_005529.7 (MANE Select); coding-DNA position 10131, T replaced by A.
Protein change: p.Phe3377Leu; replaces phenylalanine 3377 with leucine.
Molecular consequence: missense variant.
Genome position (GRCh38, 1-based): chr1:21,838,844, A>T on the plus strand (T>A on the coding strand, the complement: HSPG2 is on the minus strand). VCF-style: chr1-21838844-A-T. GRCh37 (hg19) VCF-style: chr1-22165337-A-T.
Other names: c.10134T>A, p.Phe3378Leu (NM_001291860.2); c.10131T>A (NM_005529.5); short protein forms F3377L, F3378L.
Identifiers: ClinVar variation 1372017 (VCV001372017.7), dbSNP rs763509219, ClinGen allele CA670223.

ClinVar aggregate classification (germline): Uncertain significance. Review status: criteria provided, multiple submitters, no conflicts (2 of 4 stars). 2 submissions from 2 submitters: Uncertain significance (2). Last evaluated 2024-04-29.

Conditions:
Inborn genetic diseases. Identifiers: MedGen C0950123, MeSH D030342.

Allele frequency attached by ClinVar (database versions not stated): gnomAD 0.00001; gnomAD exomes 0.00001 and 0.00002; ExAC 0.00002.
gnomAD v4.1: 9 of 1,612,370 alleles (0.00056%); highest among the groups gnomAD compares: Middle Eastern, 0.017%; no homozygotes.

Submissions (2):

Ambry Genetics
Classification: Uncertain significance for Inborn genetic diseases. Last evaluated: 2024-04-29. Review status: criteria provided, single submitter. Criteria: Ambry Variant Classification Scheme 2023. Collection method: clinical testing. Allele origin: germline.

Labcorp Genetics (formerly Invitae), Labcorp
Classification: Uncertain significance. Last evaluated: 2021-08-26. Review status: criteria provided, single submitter. Criteria: Invitae Variant Classification Sherloc (09022015). Collection method: clinical testing. Allele origin: germline.
Comment: This sequence change replaces phenylalanine with leucine at codon 3377 of the HSPG2 protein (p.Phe3377Leu). The phenylalanine residue is moderately conserved and there is a small physicochemical difference between phenylalanine and leucine. In summary, the available evidence is currently insufficient to determine the role of this variant in disease. Therefore, it has been classified as a Variant of Uncertain Significance. Algorithms developed to predict the effect of missense changes on protein structure and function (SIFT, PolyPhen-2, Align-GVGD) all suggest that this variant is likely to be tolerated. This variant has not been reported in the literature in individuals affected with HSPG2-related conditions. This variant is present in population databases (rs763509219, ExAC 0.003%).